The following is an entry in ClinVar:

NM_005912.3(MC4R):c.976T>C (p.Cys326Arg)

Gene: MC4R (melanocortin 4 receptor; minus strand). Cytogenetic location: 18q21.32.
Variant type: single nucleotide variant.
Coding change: c.976T>C on transcript NM_005912.3 (MANE Select); coding-DNA position 976, T replaced by C.
Protein change: p.Cys326Arg; replaces cysteine 326 with arginine.
Molecular consequence: missense variant.
Genome position (GRCh38, 1-based): chr18:60,371,374, A>G on the plus strand (T>C on the coding strand, the complement: MC4R is on the minus strand). VCF-style: chr18-60371374-A-G. GRCh37 (hg19) VCF-style: chr18-58038607-A-G.
Other names: short protein forms C326R.
Identifiers: ClinVar variation 4813631 (VCV004813631.1).

ClinVar aggregate classification (germline): Uncertain significance (1 of 4 stars; one submission).

Conditions:
Early onset severe obesity. Identifiers: MedGen C4013980.

gnomAD v4.1: 5 of 1,614,068 alleles (0.00031%); highest among the groups gnomAD compares: Non-Finnish European, 0.00034%; no homozygotes.

Submission:

Cambridge Genomics Laboratory, East Genomic Laboratory Hub, NHS Genomic Medicine Service
Classification: Uncertain significance for Severe early-onset obesity. Last evaluated: 2026-02-02. Review status: criteria provided, single submitter. Criteria: ACGS Best Practice Guidelines for Variant Classification in Rare Disease 2020. Collection method: clinical testing. Allele origin: germline. Affected: yes.
Comment: PS3_Supporting,PS4_Moderate,PM2,BP4